The following is an entry in ClinVar:

NM_001042492.3(NF1):c.8114-2A>C

Gene: NF1 (neurofibromin 1; plus strand). Cytogenetic location: 17q11.2.
Variant type: single nucleotide variant.
Coding change: c.8114-2A>C on transcript NM_001042492.3 (MANE Select); the canonical splice acceptor site of the intron before coding-DNA position 8114, A replaced by C.
Molecular consequence: splice acceptor variant.
Genome position (GRCh38, 1-based): chr17:31,358,967, A>C. VCF-style: chr17-31358967-A-C. GRCh37 (hg19) VCF-style: chr17-29685985-A-C.
Other names: c.8051-2A>C (NM_000267.4).
Identifiers: ClinVar variation 3714580 (VCV003714580.2).

ClinVar aggregate classification (germline): Pathogenic (1 of 4 stars; one submission).

Conditions:
Neurofibromatosis, type 1 (NF1). Also called: VON RECKLINGHAUSEN DISEASE; NEUROFIBROMATOSIS, TYPE I, SOMATIC; Peripheral type neurofibromatosis; Neurofibromatosis, type I. Identifiers: Orphanet 636, MedGen C0027831, MONDO:0018975, OMIM 162200. Disease mechanism: loss of function.

Submission:

Labcorp Genetics (formerly Invitae), Labcorp
Classification: Pathogenic for Neurofibromatosis, type 1. Last evaluated: 2024-03-15. Review status: criteria provided, single submitter. Criteria: Invitae Variant Classification Sherloc (09022015). Collection method: clinical testing. Allele origin: germline.
Comment: This sequence change affects an acceptor splice site in intron 54 of the NF1 gene. RNA analysis indicates that disruption of this splice site induces altered splicing and may result in an absent or disrupted protein product. This variant is not present in population databases (gnomAD no frequency). Disruption of this splice site has been observed in individual(s) with neurofibromatosis type 1 (PMID: 31370276). Studies have shown that disruption of this splice site results in skipping of exon 55 and introduces a premature termination codon (Invitae). The resulting mRNA is expected to undergo nonsense-mediated decay. For these reasons, this variant has been classified as Pathogenic.

Literature cited by the submitters: PubMed 31370276.